The following is an entry in ClinVar:

ClinVar aggregate classification (germline): Uncertain significance (1 of 4 stars; one submission).

Conditions:
Tuberous sclerosis 1 (TSC1). Identifiers: Orphanet 805, MedGen C1854465, MONDO:0008612, OMIM 191100.

Submission:

Labcorp Genetics (formerly Invitae), Labcorp
Classification: Uncertain significance for Tuberous sclerosis 1. Last evaluated: 2023-05-27. Review status: criteria provided, single submitter. Criteria: Invitae Variant Classification Sherloc (09022015). Collection method: clinical testing. Allele origin: germline.
Comment: This sequence change replaces histidine, which is basic and polar, with glutamine, which is neutral and polar, at codon 226 of the TSC1 protein (p.His226Gln). This variant is not present in population databases (gnomAD no frequency). This variant has not been reported in the literature in individuals affected with TSC1-related conditions. Advanced modeling of protein sequence and biophysical properties (such as structural, functional, and spatial information, amino acid conservation, physicochemical variation, residue mobility, and thermodynamic stability) performed at Invitae indicates that this missense variant is not expected to disrupt TSC1 protein function. In summary, the available evidence is currently insufficient to determine the role of this variant in disease. Therefore, it has been classified as a Variant of Uncertain Significance.

NM_000368.5(TSC1):c.678T>G (p.His226Gln)

Gene: TSC1 (TSC complex subunit 1; minus strand). Cytogenetic location: 9q34.13.
Variant type: single nucleotide variant.
Coding change: c.678T>G on transcript NM_000368.5 (MANE Select); coding-DNA position 678, T replaced by G.
Protein change: p.His226Gln; replaces histidine 226 with glutamine.
Molecular consequence: missense variant. On other transcripts: intron variant (4), 5 prime UTR variant (1), non-coding transcript variant (5).
Genome position (GRCh38, 1-based): chr9:132,921,422, A>C on the plus strand (T>G on the coding strand, the complement: TSC1 is on the minus strand). VCF-style: chr9-132921422-A-C. GRCh37 (hg19) VCF-style: chr9-135796809-A-C.
Other names: c.678T>G, p.His226Gln (NM_001162426.2, NM_001406592.1, NM_001406593.1 and 16 more transcripts); c.525T>G, p.His175Gln (NM_001162427.2, NM_001406612.1, NM_001406613.1 and 2 more transcripts); c.315T>G, p.His105Gln (NM_001362177.2, NM_001406614.1, NM_001406615.1 and 10 more transcripts); c.-357+397T>G (NM_001406629.1); c.-215+397T>G (NM_001406628.1, NM_001406626.1, NM_001406627.1); c.-416T>G (NM_001406630.1); short protein forms H105Q, H226Q, H175Q.
Identifiers: ClinVar variation 2739252 (VCV002739252.3), dbSNP rs2132137496, ClinGen allele CA375371469.
Genomic context (GRCh38, chr9:132,921,422, plus strand): 5'-CCTTCGAGGGTCCAGTTCATGGTCCTTGGATCCAGTCACTAATTCCGGATGAATTCGCAC[A>C]TGCTCCATCATTGGCTAGAAGAGTTGGGTTGACAAATTATAAAGGGCTGAATGTTTGTGG-3'
Protein context (NP_000359.1, residues 216-236): FEEVVKPMME[His226Gln]VRIHPELVTG